The following is an entry in ClinVar:

ClinVar aggregate classification (germline): Benign. Review status: criteria provided, single submitter (1 of 4 stars). 2 submissions from 2 submitters: Benign (1). 1 of the submissions does not count toward it. Last evaluated 2017-12-28.

Conditions:
SEMA3C-related disorder. Also called: SEMA3C-related condition.

Allele frequency attached by ClinVar (database versions not stated): gnomAD exomes 0.00012 and 0.00033; ExAC 0.00039; ESP Exome Variant Server 0.00115; TOPMed 0.00130; gnomAD 0.00131 and 0.00148; 1000 Genomes Project 30x 0.00141; 1000 Genomes Project 0.00160.
gnomAD v4.1: 386 of 1,609,186 alleles (0.024%); highest among the groups gnomAD compares: African/African-American, 0.43%; 1 homozygote.

Submissions (2):

Labcorp Genetics (formerly Invitae), Labcorp
Classification: Benign. Last evaluated: 2017-12-28. Review status: criteria provided, single submitter. Criteria: Invitae Variant Classification Sherloc (09022015). Collection method: clinical testing. Allele origin: germline.

PreventionGenetics, part of Exact Sciences
Classification: Likely benign for SEMA3C-related condition. Last evaluated: 2021-07-26. Review status: no assertion criteria provided. Collection method: clinical testing. Allele origin: germline. Not counted in ClinVar's aggregate classification.
Comment: This variant is classified as likely benign based on ACMG/AMP sequence variant interpretation guidelines (Richards et al. 2015 PMID: 25741868, with internal and published modifications).

NM_006379.5(SEMA3C):c.1354+9T>A

Gene: SEMA3C (semaphorin 3C; minus strand). Cytogenetic location: 7q21.11.
Variant type: single nucleotide variant.
Coding change: c.1354+9T>A on transcript NM_006379.5 (MANE Select); 9 bases into the intron after coding-DNA position 1354, T replaced by A.
Molecular consequence: intron variant.
Genome position (GRCh38, 1-based): chr7:80,789,297, A>T on the plus strand (T>A on the coding strand, the complement: SEMA3C is on the minus strand). VCF-style: chr7-80789297-A-T. GRCh37 (hg19) VCF-style: chr7-80418613-A-T.
Other names: c.1408+9T>A (NM_001350120.2, NM_001350120.1); c.1180+9T>A (NM_001350121.2).
Identifiers: ClinVar variation 730569 (VCV000730569.5), dbSNP rs372831405, ClinGen allele CA4316147.